The following is an entry in ClinVar:

ClinVar aggregate classification (germline): Uncertain significance. Review status: criteria provided, multiple submitters, no conflicts (2 of 4 stars). 2 submissions from 2 submitters: Uncertain significance (2). Last evaluated 2025-08-31.

Conditions:
Early Myoclonic Encephalopathy. Identifiers: MedGen C0270855.

gnomAD v4.1: 8 of 1,613,920 alleles (0.0005%); highest among the groups gnomAD compares: South Asian, 0.0033%; no homozygotes.

Submissions (2):

Ambry Genetics
Classification: Uncertain significance. Last evaluated: 2025-08-31. Review status: criteria provided, single submitter. Criteria: Ambry Variant Classification Scheme 2023. Collection method: clinical testing. Allele origin: germline.

Labcorp Genetics (formerly Invitae), Labcorp
Classification: Uncertain significance for Early Myoclonic Encephalopathy. Last evaluated: 2023-04-24. Review status: criteria provided, single submitter. Criteria: Invitae Variant Classification Sherloc (09022015). Collection method: clinical testing. Allele origin: germline.
Comment: In summary, the available evidence is currently insufficient to determine the role of this variant in disease. Therefore, it has been classified as a Variant of Uncertain Significance. An algorithm developed to predict the effect of missense changes on protein structure and function (PolyPhen-2) suggests that this variant is likely to be tolerated. ClinVar contains an entry for this variant (Variation ID: 1005554). This variant has not been reported in the literature in individuals affected with JMJD1C-related conditions. This variant is present in population databases (rs377284540, gnomAD 0.007%). This sequence change replaces isoleucine, which is neutral and non-polar, with valine, which is neutral and non-polar, at codon 777 of the JMJD1C protein (p.Ile777Val).

NM_032776.3(JMJD1C):c.2329A>G (p.Ile777Val)

Gene: JMJD1C (jumonji domain containing 1C; minus strand). Cytogenetic location: 10q21.3.
Variant type: single nucleotide variant.
Coding change: c.2329A>G on transcript NM_032776.3 (MANE Select); coding-DNA position 2329, A replaced by G.
Protein change: p.Ile777Val; replaces isoleucine 777 with valine.
Molecular consequence: missense variant. On other transcripts: non-coding transcript variant (1).
Genome position (GRCh38, 1-based): chr10:63,213,838, T>C on the plus strand (A>G on the coding strand, the complement: JMJD1C is on the minus strand). VCF-style: chr10-63213838-T-C. GRCh37 (hg19) VCF-style: chr10-64973598-T-C.
Other names: c.1783A>G, p.Ile595Val (NM_001318154.2, NM_001282948.2); c.2215A>G, p.Ile739Val (NM_001322252.2); c.1672A>G, p.Ile558Val (NM_001322254.2, NM_001322258.2); c.1465A>G, p.Ile489Val (NM_001318153.2); c.2329A>G (NM_032776.1); short protein forms I489V, I558V, I595V, I739V, I777V.
Identifiers: ClinVar variation 1005554 (VCV001005554.9), dbSNP rs377284540, ClinGen allele CA5518651.